The following is an entry in ClinVar:

NM_000169.3(GLA):c.109G>A (p.Ala37Thr)

Genes: GLA (galactosidase alpha; minus strand), RPL36A-HNRNPH2 (RPL36A-HNRNPH2 readthrough; plus strand). Cytogenetic location: Xq22.1.
Variant type: single nucleotide variant.
Coding change: c.109G>A on transcript NM_000169.3 (MANE Select); coding-DNA position 109, G replaced by A.
Protein change: p.Ala37Thr; replaces alanine 37 with threonine.
Molecular consequence: missense variant. On other transcripts: non-coding transcript variant (3), intron variant (2).
Genome position (GRCh38, 1-based): chrX:101,407,795, C>T on the plus strand (G>A on the coding strand, the complement: GLA is on the minus strand). VCF-style: chrX-101407795-C-T. GRCh37 (hg19) VCF-style: chrX-100662783-C-T.
Other names: c.109G>A, p.Ala37Thr (NM_001406747.1, NM_001406748.1, NM_001406749.1); c.301-4141C>T (NM_001199973.2); c.178-4141C>T (NM_001199974.2); short protein forms A37T.
Identifiers: ClinVar variation 1324470 (VCV001324470.12), dbSNP rs869312226, ClinGen allele CA352666.

ClinVar aggregate classification (germline): Likely pathogenic. Review status: criteria provided, multiple submitters, no conflicts (2 of 4 stars). 3 submissions from 3 submitters: Likely pathogenic (3). Last evaluated 2026-09-08.

Conditions:
Fabry disease. Also called: Ceramide trihexosidosis; GLA DEFICIENCY; HEREDITARY DYSTOPIC LIPIDOSIS; Angiokeratoma corporis diffusum; Fabry's disease; ALPHA-GALACTOSIDASE A DEFICIENCY. Identifiers: Orphanet 324, MedGen C0002986, MONDO:0010526, OMIM 301500, HP:0001071. Disease mechanism: Fabry disease is due to inactivating mutations in the X-linked GLA gene resulting in deficiency of the enzyme Alpha Galactosidase-A., loss of function.

Submissions (3):

Genomenon, Inc
Classification: Likely pathogenic for Fabry disease. Last evaluated: 2026-09-08. Review status: criteria provided, single submitter. Criteria: Genomenon Sequence Variant Interpretation Standards - Updated. Collection method: curation. Allele origin: germline. Affected: yes.
Comment: GLA p.Ala37Thr (c.109G>A) is a missense variant that changes the amino acid at codon 37 from Alanine to Threonine. This variant has been observed in at least one proband with clinical features consistent with Fabry disease (PMID:23430946;27560961;33072516;28682471;36140787;17452128;37430370;32198894;29688992). Functional or patient cell studies have been reported (PMID:32023956;36674610;27560961;27788225;23935525;36140787;27657681;17452128;28682471;37430370). It is absent or not present at a significant frequency in gnomAD. In silico models predict that this variant is possibly or probably damaging. In conclusion, we classify GLA p.Ala37Thr (c.109G>A) as a likely pathogenic variant.

Labcorp Genetics (formerly Invitae), Labcorp
Classification: Likely pathogenic for Fabry disease. Last evaluated: 2025-01-19. Review status: criteria provided, single submitter. Criteria: Invitae Variant Classification Sherloc (09022015). Collection method: clinical testing. Allele origin: germline.
Comment: This sequence change replaces alanine, which is neutral and non-polar, with threonine, which is neutral and polar, at codon 37 of the GLA protein (p.Ala37Thr). This variant is not present in population databases (gnomAD no frequency). This missense change has been observed in individual(s) with Fabry disease (PMID: 17452128, 27560961). ClinVar contains an entry for this variant (Variation ID: 1324470). Invitae Evidence Modeling of protein sequence and biophysical properties (such as structural, functional, and spatial information, amino acid conservation, physicochemical variation, residue mobility, and thermodynamic stability) indicates that this missense variant is expected to disrupt GLA protein function with a positive predictive value of 80%. This variant disrupts the p.Ala37 amino acid residue in GLA. Other variant(s) that disrupt this residue have been determined to be pathogenic (internal data). This suggests that this residue is clinically significant, and that variants that disrupt this residue are likely to be disease-causing. In summary, the currently available evidence indicates that the variant is pathogenic, but additional data are needed to prove that conclusively. Therefore, this variant has been classified as Likely Pathogenic.

Revvity Omics, Revvity
Classification: Likely pathogenic. Last evaluated: 2021-05-05. Review status: criteria provided, single submitter. Criteria: ACMG Guidelines, 2015. Collection method: clinical testing. Allele origin: germline.

Literature cited by the submitters: PubMed 23430946 (cited by Genomenon, Inc); PubMed 27560961 (cited by Genomenon, Inc and Labcorp Genetics (formerly Invitae), Labcorp); PubMed 33072516 (cited by Genomenon, Inc); PubMed 28682471 (cited by Genomenon, Inc); PubMed 36140787 (cited by Genomenon, Inc); PubMed 17452128 (cited by Genomenon, Inc and Labcorp Genetics (formerly Invitae), Labcorp); PubMed 37430370 (cited by Genomenon, Inc); PubMed 32198894 (cited by Genomenon, Inc); PubMed 29688992 (cited by Genomenon, Inc); PubMed 32023956 (cited by Genomenon, Inc); PubMed 36674610 (cited by Genomenon, Inc); PubMed 27788225 (cited by Genomenon, Inc); PubMed 23935525 (cited by Genomenon, Inc); PubMed 27657681 (cited by Genomenon, Inc).